The following is an entry in ClinVar:

ClinVar aggregate classification (germline): Uncertain significance. Review status: criteria provided, multiple submitters, no conflicts (2 of 4 stars). 2 submissions from 2 submitters: Uncertain significance (2). Last evaluated 2025-10-29.

Conditions:
Inborn genetic diseases. Identifiers: MedGen C0950123, MeSH D030342.

Allele frequency attached by ClinVar (database versions not stated): gnomAD exomes 0.00001; ExAC 0.00004; TOPMed 0.00014; gnomAD 0.00015; 1000 Genomes Project 0.00060; 1000 Genomes Project 30x 0.00062.

Submissions (2):

Ambry Genetics
Classification: Uncertain significance for Inborn genetic diseases. Last evaluated: 2025-10-29. Review status: criteria provided, single submitter. Criteria: Ambry Variant Classification Scheme 2023. Collection method: clinical testing. Allele origin: germline.

Labcorp Genetics (formerly Invitae), Labcorp
Classification: Uncertain significance. Last evaluated: 2025-02-12. Review status: criteria provided, single submitter. Criteria: Invitae Variant Classification Sherloc (09022015). Collection method: clinical testing. Allele origin: germline.
Comment: This sequence change replaces aspartic acid, which is acidic and polar, with glutamic acid, which is acidic and polar, at codon 241 of the THPO protein (p.Asp241Glu). This variant is present in population databases (rs557362693, gnomAD 0.05%). This variant has not been reported in the literature in individuals affected with THPO-related conditions. ClinVar contains an entry for this variant (Variation ID: 2420170). Invitae Evidence Modeling of protein sequence and biophysical properties (such as structural, functional, and spatial information, amino acid conservation, physicochemical variation, residue mobility, and thermodynamic stability) indicates that this missense variant is not expected to disrupt THPO protein function with a negative predictive value of 80%. In summary, the available evidence is currently insufficient to determine the role of this variant in disease. Therefore, it has been classified as a Variant of Uncertain Significance.

NM_000460.4(THPO):c.723C>G (p.Asp241Glu)

Gene: THPO (thrombopoietin; minus strand). Cytogenetic location: 3q27.1.
Variant type: single nucleotide variant.
Coding change: c.723C>G on transcript NM_000460.4 (MANE Select); coding-DNA position 723, C replaced by G.
Protein change: p.Asp241Glu; replaces aspartic acid 241 with glutamic acid.
Molecular consequence: missense variant.
Genome position (GRCh38, 1-based): chr3:184,372,852, G>C on the plus strand (C>G on the coding strand, the complement: THPO is on the minus strand). VCF-style: chr3-184372852-G-C. GRCh37 (hg19) VCF-style: chr3-184090640-G-C.
Other names: c.711C>G, p.Asp237Glu (NM_001177597.2, NM_001290022.1); c.706C>G, p.Pro236Ala (NM_001177598.2, NM_001290026.1); c.607C>G, p.Pro203Ala (NM_001289997.1, NM_001290027.1); c.723C>G, p.Asp241Glu (NM_001289998.1, NM_001290028.1); c.1143C>G, p.Asp381Glu (NM_001290003.1); c.723C>G (NM_000460.2); short protein forms D237E, D241E, D381E, P203A, P236A.
Identifiers: ClinVar variation 2420170 (VCV002420170.6), dbSNP rs557362693, ClinGen allele CA2734884.
Genomic context (GRCh38, chr3:184,372,852, plus strand): 5'-AAAGAGTCCACGAGTTCCATTCAAGAGTTCGTGTATCCTGTTCAGGTATCCGGGGATTTG[G>C]TCCAGGGACCTGGAGGTTTGGTTCAGCAGACCAGGAATCTTGGCTCTGAATCCCTGCTGC-3'
Protein context (NP_000451.1, residues 231-251): GLLNQTSRSL[Asp241Glu]QIPGYLNRIH